The following is an entry in ClinVar:

NM_152564.5(VPS13B):c.2515+16617C>T

Gene: VPS13B (vacuolar protein sorting 13 homolog B; plus strand). Cytogenetic location: 8q22.2.
Variant type: single nucleotide variant.
Coding change: c.2515+16617C>T on transcript NM_152564.5 (MANE Select); 16617 bases into the intron after coding-DNA position 2515, C replaced by T.
Molecular consequence: intron variant. On other transcripts: 3 prime UTR variant (1).
Genome position (GRCh38, 1-based): chr8:99,209,674, C>T. VCF-style: chr8-99209674-C-T. GRCh37 (hg19) VCF-style: chr8-100221902-C-T.
Other names: c.*6C>T (NM_015243.3); c.2515+16617C>T (NM_017890.5).
Identifiers: ClinVar variation 3034683 (VCV003034683.2), dbSNP rs1033286219, ClinGen allele CA182912013.
Genomic context (GRCh38, chr8:99,209,674, plus strand): 5'-CCAGGTTGATCTTGAACTCCTGGCCTCAAATGATCCTCCCACCTCAACCTCCTGAAGTGC[C>T]GGGATTGGAGGCCCAAGCCACTGTGCCTGGCCCTTTATAAATTATGTTATAATTTCATGT-3'

ClinVar aggregate classification (germline): Likely benign (0 of 4 stars; one submission).

Conditions:
VPS13B-related disorder. Also called: VPS13B-related condition.

Allele frequency attached by ClinVar (database versions not stated): gnomAD 0.00002; TOPMed 0.00006.
gnomAD v4.1: 12 of 910,554 alleles (0.0013%); highest among the groups gnomAD compares: Admixed American, 0.017%; no homozygotes.

Submission:

PreventionGenetics, part of Exact Sciences
Classification: Likely benign for VPS13B-related condition. Last evaluated: 2021-11-08. Review status: no assertion criteria provided. Collection method: clinical testing. Allele origin: germline.
Comment: This variant is classified as likely benign based on ACMG/AMP sequence variant interpretation guidelines (Richards et al. 2015 PMID: 25741868, with internal and published modifications).